The following is an entry in ClinVar:

ClinVar aggregate classification (germline): Uncertain significance (1 of 4 stars; one submission).

Conditions:
Peroxisome biogenesis disorder, complementation group K (CGK). Identifiers: MedGen C1866257, MONDO:0800365.

Submission:

Labcorp Genetics (formerly Invitae), Labcorp
Classification: Uncertain significance for Peroxisome biogenesis disorder, complementation group K. Last evaluated: 2022-11-01. Review status: criteria provided, single submitter. Criteria: Invitae Variant Classification Sherloc (09022015). Collection method: clinical testing. Allele origin: germline.
Comment: In summary, the available evidence is currently insufficient to determine the role of this variant in disease. Therefore, it has been classified as a Variant of Uncertain Significance. Experimental studies and prediction algorithms are not available or were not evaluated, and the functional significance of this variant is currently unknown. ClinVar contains an entry for this variant (Variation ID: 856265). This variant has not been reported in the literature in individuals affected with PEX14-related conditions. This variant is not present in population databases (gnomAD no frequency). This variant, c.819_821del, results in the deletion of 1 amino acid(s) of the PEX14 protein (p.Ser275del), but otherwise preserves the integrity of the reading frame.

NM_004565.3(PEX14):c.816GTC[1] (p.Ser275del)

Gene: PEX14 (peroxisomal biogenesis factor 14; plus strand). Cytogenetic location: 1p36.22.
Variant type: Microsatellite.
Coding change: c.816GTC[1] on transcript NM_004565.3 (MANE Select); one copy of the 3-base unit GTC starting at c.816; the reference has two copies in a row; one copy, 3 bases deleted.
Protein change: p.Ser275del; deletes serine 275.
Molecular consequence: inframe deletion.
Genome position (GRCh38, 1-based): chr1:10,629,672-10,629,674, GTC deleted; deleting any 3 consecutive bases within chr1:10,629,668-10,629,674 gives the same sequence; the position shown is the placement nearest the transcript's 3' end. VCF-style (leftmost placement, unchanged base first): chr1-10629667-ACGT-A. GRCh37 (hg19) VCF-style: chr1-10689724-ACGT-A.
Other names: short protein forms S275del.
Identifiers: ClinVar variation 856265 (VCV000856265.9), dbSNP rs1641853895, ClinGen allele CA916081991.